The following is an entry in ClinVar:

NM_021926.4(ALX4):c.*547A>G

Gene: ALX4 (ALX homeobox 4; minus strand). Cytogenetic location: 11p11.2.
Variant type: single nucleotide variant.
Coding change: c.*547A>G on transcript NM_021926.4 (MANE Select); 547 bases downstream of the stop codon, A replaced by G.
Molecular consequence: 3 prime UTR variant.
Genome position (GRCh38, 1-based): chr11:44,264,307, T>C on the plus strand (A>G on the coding strand, the complement: ALX4 is on the minus strand). VCF-style: chr11-44264307-T-C. GRCh37 (hg19) VCF-style: chr11-44285857-T-C.
Other names: c.*547A>G (LRG_1256t1).
Identifiers: ClinVar variation 304686 (VCV000304686.6), dbSNP rs4755796, ClinGen allele CA10634892.

ClinVar aggregate classification (germline): Benign. Review status: criteria provided, multiple submitters, no conflicts (2 of 4 stars). 2 submissions from 2 submitters: Benign (2). Last evaluated 2018-01-12.

Conditions:
Parietal foramina 2 (PFM2). Identifiers: Orphanet 60015, MedGen C1865044, MONDO:0012309, OMIM 609597.

Allele frequency attached by ClinVar (database versions not stated): gnomAD exomes 0.80399; gnomAD 0.81277 and 0.81822; TOPMed 0.83114; 1000 Genomes Project 0.88478; 1000 Genomes Project 30x 0.88507.
gnomAD v4.1: 130,700 of 159,882 alleles (82%); highest among the groups gnomAD compares: South Asian, 95%; 53,746 homozygotes.

Submissions (2):

Illumina Laboratory Services, Illumina
Classification: Benign for Parietal foramina 2. Last evaluated: 2018-01-12. Review status: criteria provided, single submitter. Criteria: ICSL Variant Classification Criteria 13 December 2019. Collection method: clinical testing. Allele origin: germline.
Comment: This variant was observed in the ICSL laboratory as part of a predisposition screen in an ostensibly healthy population. It had not been previously curated by ICSL or reported in the Human Gene Mutation Database (HGMD: prior to June 1st, 2018), and was therefore a candidate for classification through an automated scoring system. Utilizing variant allele frequency, disease prevalence and penetrance estimates, and inheritance mode, an automated score was calculated to assess if this variant is too frequent to cause the disease. Based on the score and internal cut-off values, a variant classified as benign is not then subjected to further curation. The score for this variant resulted in a classification of benign for this disease.

Breakthrough Genomics
Classification: Benign. Review status: criteria provided, single submitter. Criteria: ACMG Guidelines, 2015. Collection method: not provided. Allele origin: germline. Inheritance: Autosomal recessive inheritance. Affected: yes.